The following is an entry in ClinVar:

ClinVar aggregate classification (germline): Uncertain significance. Review status: criteria provided, multiple submitters, no conflicts (2 of 4 stars). 2 submissions from 2 submitters: Uncertain significance (2). Last evaluated 2025-12-15.

Conditions:
Hereditary cancer-predisposing syndrome. Also called: Tumor predisposition; Hereditary Cancer Syndrome; Hereditary neoplastic syndrome; Neoplastic Syndromes, Hereditary. Identifiers: Orphanet 140162, MedGen C0027672, MeSH D009386, MONDO:0015356.
Neurofibromatosis, type 2 (SWNV). Also called: BILATERAL ACOUSTIC NEUROFIBROMATOSIS; SCHWANNOMATOSIS, VESTIBULAR; NF2-Related Schwannomatosis. Identifiers: Orphanet 637, MedGen C0027832, MONDO:0007039, OMIM 101000. Disease mechanism: loss of function.

Submissions (2):

Ambry Genetics
Classification: Uncertain significance for Hereditary cancer-predisposing syndrome. Last evaluated: 2025-12-15. Review status: criteria provided, single submitter. Criteria: Ambry Variant Classification Scheme 2023. Collection method: clinical testing. Allele origin: germline.
Comment: The p.R25W variant (also known as c.73A>T), located in coding exon 1 of the NF2 gene, results from an A to T substitution at nucleotide position 73. The arginine at codon 25 is replaced by tryptophan, an amino acid with dissimilar properties. This amino acid position is conserved. In addition, this alteration is predicted to be deleterious by in silico analysis. Based on the available evidence, the clinical significance of this variant remains unclear.

Labcorp Genetics (formerly Invitae), Labcorp
Classification: Uncertain significance for Neurofibromatosis, type 2. Last evaluated: 2019-05-30. Review status: criteria provided, single submitter. Criteria: Invitae Variant Classification Sherloc (09022015). Collection method: clinical testing. Allele origin: germline.
Comment: This sequence change replaces arginine with tryptophan at codon 25 of the NF2 protein (p.Arg25Trp). The arginine residue is moderately conserved and there is a moderate physicochemical difference between arginine and tryptophan. In summary, the available evidence is currently insufficient to determine the role of this variant in disease. Therefore, it has been classified as a Variant of Uncertain Significance. Algorithms developed to predict the effect of missense changes on protein structure and function are either unavailable or do not agree on the potential impact of this missense change (SIFT: "Deleterious"; PolyPhen-2: "Possibly Damaging"; Align-GVGD: "Class C0"). This variant has not been reported in the literature in individuals with NF2-related conditions. This variant is not present in population databases (ExAC no frequency).

NM_000268.4(NF2):c.73A>T (p.Arg25Trp)

Gene: NF2 (NF2, moesin-ezrin-radixin like (MERLIN) tumor suppressor; plus strand). Cytogenetic location: 22q12.2.
Variant type: single nucleotide variant.
Coding change: c.73A>T on transcript NM_000268.4 (MANE Select); coding-DNA position 73, A replaced by T.
Protein change: p.Arg25Trp; replaces arginine 25 with tryptophan.
Molecular consequence: missense variant. On other transcripts: non-coding transcript variant (1).
Genome position (GRCh38, 1-based): chr22:29,604,071, A>T. VCF-style: chr22-29604071-A-T. GRCh37 (hg19) VCF-style: chr22-30000060-A-T.
Other names: c.73A>T, p.Arg25Trp (NM_016418.5, NM_181825.3, NM_181828.3 and 5 more transcripts); short protein forms R25W.
Identifiers: ClinVar variation 839589 (VCV000839589.11), dbSNP rs2064716522, ClinGen allele CA411146091.